The following is an entry in ClinVar:

NM_001354483.2(CSGALNACT1):c.40C>T (p.Arg14Trp)

Gene: CSGALNACT1 (chondroitin sulfate N-acetylgalactosaminyltransferase 1; minus strand). Cytogenetic location: 8p21.3.
Variant type: single nucleotide variant.
Coding change: c.40C>T on transcript NM_001354483.2 (MANE Select); coding-DNA position 40, C replaced by T.
Protein change: p.Arg14Trp; replaces arginine 14 with tryptophan.
Molecular consequence: missense variant. On other transcripts: non-coding transcript variant (7).
Genome position (GRCh38, 1-based): chr8:19,505,795, G>A on the plus strand (C>T on the coding strand, the complement: CSGALNACT1 is on the minus strand). VCF-style: chr8-19505795-G-A. GRCh37 (hg19) VCF-style: chr8-19363306-G-A.
Other names: c.40C>T (NM_001130518.1); c.40C>T, p.Arg14Trp (NM_001130518.2, NM_001354475.2, NM_001354476.2 and 18 more transcripts); short protein forms R14W.
Identifiers: ClinVar variation 1606684 (VCV001606684.11), dbSNP rs117494579, ClinGen allele CA4654377.

ClinVar aggregate classification (germline): Benign. Review status: criteria provided, multiple submitters, no conflicts (2 of 4 stars). 3 submissions from 3 submitters: Benign (2). 1 of the submissions does not count toward it. Last evaluated 2026-01-18.

Conditions:
CSGALNACT1-related disorder. Also called: CSGALNACT1-related condition.

Allele frequency attached by ClinVar (database versions not stated): ESP Exome Variant Server 0.00008; gnomAD 0.00083 and 0.00117; 1000 Genomes Project 30x 0.00609; 1000 Genomes Project 0.00699.
gnomAD v4.1: 1,402 of 1,613,598 alleles (0.087%); highest among the groups gnomAD compares: East Asian, 2.5%; 16 homozygotes.

Submissions (3):

Labcorp Genetics (formerly Invitae), Labcorp
Classification: Benign. Last evaluated: 2026-01-18. Review status: criteria provided, single submitter. Criteria: Invitae Variant Classification Sherloc (09022015). Collection method: clinical testing. Allele origin: germline.

Breakthrough Genomics
Classification: Benign. Review status: criteria provided, single submitter. Criteria: ACMG Guidelines, 2015. Collection method: not provided. Allele origin: germline. Inheritance: Autosomal recessive inheritance. Affected: yes.

PreventionGenetics, part of Exact Sciences
Classification: Benign for CSGALNACT1-related condition. Last evaluated: 2019-08-20. Review status: no assertion criteria provided. Collection method: clinical testing. Allele origin: germline. Not counted in ClinVar's aggregate classification.
Comment: This variant is classified as benign based on ACMG/AMP sequence variant interpretation guidelines (Richards et al. 2015 PMID: 25741868, with internal and published modifications).